The following is an entry in ClinVar:

NM_001267550.2(TTN):c.11311+2416G>C

Gene: TTN (titin; minus strand). Cytogenetic location: 2q31.2.
Variant type: single nucleotide variant.
Coding change: c.11311+2416G>C on transcript NM_001267550.2 (MANE Select); 2416 bases into the intron after coding-DNA position 11311, G replaced by C.
Molecular consequence: intron variant. On other transcripts: missense variant (1).
Genome position (GRCh38, 1-based): chr2:178,750,708, C>G on the plus strand (G>C on the coding strand, the complement: TTN is on the minus strand). VCF-style: chr2-178750708-C-G. GRCh37 (hg19) VCF-style: chr2-179615435-C-G.
Other names: c.11692G>C, p.Glu3898Gln (NM_133379.5); c.10222+2416G>C (NM_003319.4); c.10798+2416G>C (NM_133437.4); c.10597+2416G>C (NM_133432.3); c.10360+2416G>C (NM_133378.4, NM_001256850.1); short protein forms E3898Q.
Identifiers: ClinVar variation 3026539 (VCV003026539.22), dbSNP rs1304113463, ClinGen allele CA349660028.

ClinVar aggregate classification (germline): Uncertain significance (1 of 4 stars; one submission).

Allele frequency attached by ClinVar (database versions not stated): TOPMed below 0.00001; gnomAD 0.00001.
gnomAD v4.1: 1 of 1,612,462 alleles (0.000062%); highest among the groups gnomAD compares: African/African-American, 0.0013%; no homozygotes.

Submission:

CeGaT Center for Human Genetics Tuebingen
Classification: Uncertain significance. Last evaluated: 2023-12-01. Review status: criteria provided, single submitter. Criteria: CeGaT Center For Human Genetics Tuebingen Variant Classification Criteria Version 2. Collection method: clinical testing. Allele origin: germline. Affected: yes. Observed: 1 variant allele.
Comment: TTN: PM2, BP4